The following is an entry in ClinVar:

ClinVar aggregate classification (germline): Conflicting classifications of pathogenicity. Review status: criteria provided, conflicting classifications (1 of 4 stars). 6 submissions from 6 submitters: Uncertain significance (1); Benign (1); Likely benign (3). 1 of the submissions does not count toward it. Last evaluated 2025-11-27.

Conditions:
PLEC-related disorder. Also called: PLEC-related disorders; PLEC-related condition.
Autosomal recessive limb-girdle muscular dystrophy type 2Q (LGMDR17). Also called: MUSCULAR DYSTROPHY, LIMB-GIRDLE, AUTOSOMAL RECESSIVE 17. Identifiers: Orphanet 254361, MedGen C3150989, MONDO:0013390, OMIM 613723.
Epidermolysis bullosa simplex with nail dystrophy (EBS5D). Identifiers: MedGen C4225309, MONDO:0014661, OMIM 616487.
Epidermolysis bullosa simplex 5C, with pyloric atresia (EBS5C). Also called: PLEC-Related Epidermolysis Bullosa with Pyloric Atresia; PLEC1-Related Epidermolysis Bullosa with Pyloric Atresia; Epidermolysis bullosa simplex with pyloric atresia. Identifiers: Orphanet 158684, MedGen C2677349, MONDO:0012807, OMIM 612138.
Epidermolysis bullosa simplex, Ogna type (EBS5A). Also called: Pidermolysis bullosa simplex 5A, Ogna type; EPIDERMOLYSIS BULLOSA SIMPLEX 5A, OGNA TYPE. Identifiers: Orphanet 79401, MedGen C0432317, MONDO:0007555, OMIM 131950.
Epidermolysis bullosa simplex 5B, with muscular dystrophy (EBS5B). Also called: EPIDERMOLYSIS BULLOSA SIMPLEX AND LIMB-GIRDLE MUSCULAR DYSTROPHY; Epidermolysis bullosa simplex with muscular dystrophy. Identifiers: Orphanet 257, MedGen C2931072, MONDO:0009181, OMIM 226670.
Inborn genetic diseases. Identifiers: MedGen C0950123, MeSH D030342.

Allele frequency attached by ClinVar (database versions not stated): ExAC 0.00040; 1000 Genomes Project 30x 0.00062; 1000 Genomes Project 0.00080; gnomAD 0.00082 and 0.00086; TOPMed 0.00085; ESP Exome Variant Server 0.00133.
gnomAD v4.1: 238 of 1,595,998 alleles (0.015%); highest among the groups gnomAD compares: African/African-American, 0.28%; no homozygotes.

Submissions (6):

Labcorp Genetics (formerly Invitae), Labcorp
Classification: Likely benign for Autosomal recessive limb-girdle muscular dystrophy type 2Q; Epidermolysis bullosa simplex, Ogna type; Epidermolysis bullosa simplex with nail dystrophy; Epidermolysis bullosa simplex 5C, with pyloric atresia; Epidermolysis bullosa simplex 5B, with muscular dystrophy. Last evaluated: 2025-11-27. Review status: criteria provided, single submitter. Criteria: Invitae Variant Classification Sherloc (09022015). Collection method: clinical testing. Allele origin: germline.

Ambry Genetics
Classification: Uncertain significance for Inborn genetic diseases. Last evaluated: 2025-11-19. Review status: criteria provided, single submitter. Criteria: Ambry Variant Classification Scheme 2023. Collection method: clinical testing. Allele origin: germline.

GeneDx
Classification: Likely benign. Last evaluated: 2021-01-18. Review status: criteria provided, single submitter. Criteria: GeneDx Variant Classification Process June 2021. Collection method: clinical testing. Allele origin: germline. Affected: yes.
Comment: In silico analysis supports that this missense variant has a deleterious effect on protein structure/function; Missense variant in a gene in which most reported pathogenic variants are truncating/loss-of-function

Athena Diagnostics
Classification: Likely benign. Last evaluated: 2020-02-24. Review status: criteria provided, single submitter. Criteria: Athena Diagnostics Criteria. Collection method: clinical testing. Allele origin: unknown.

Eurofins Ntd Llc (ga)
Classification: Benign. Last evaluated: 2014-09-22. Review status: criteria provided, single submitter. Criteria: EGL Classification Definitions 2015. Collection method: clinical testing. Allele origin: germline. Observed: 1 variant allele, 1 heterozygote.

PreventionGenetics, part of Exact Sciences
Classification: Likely benign for PLEC-related condition. Last evaluated: 2024-03-06. Review status: no assertion criteria provided. Collection method: clinical testing. Allele origin: germline. Not counted in ClinVar's aggregate classification.
Comment: This variant is classified as likely benign based on ACMG/AMP sequence variant interpretation guidelines (Richards et al. 2015 PMID: 25741868, with internal and published modifications).

NM_201384.3(PLEC):c.3620G>T (p.Arg1207Leu)

Gene: PLEC (plectin; minus strand). Cytogenetic location: 8q24.3.
Variant type: single nucleotide variant.
Coding change: c.3620G>T on transcript NM_201384.3 (MANE Select); coding-DNA position 3620, G replaced by T.
Protein change: p.Arg1207Leu; replaces arginine 1207 with leucine.
Molecular consequence: missense variant.
Genome position (GRCh38, 1-based): chr8:143,927,546, C>A on the plus strand (G>T on the coding strand, the complement: PLEC is on the minus strand). VCF-style: chr8-143927546-C-A. GRCh37 (hg19) VCF-style: chr8-145001714-C-A.
Other names: c.3701G>T, p.Arg1234Leu (NM_000445.5); c.3578G>T, p.Arg1193Leu (NM_201378.4); c.3554G>T, p.Arg1185Leu (NM_201379.3); c.4031G>T, p.Arg1344Leu (NM_201380.4); c.3524G>T, p.Arg1175Leu (NM_201381.3); c.3620G>T, p.Arg1207Leu (NM_201382.4); c.3632G>T, p.Arg1211Leu (NM_201383.3); short protein forms R1175L, R1185L, R1193L, R1207L, R1211L, R1234L, R1344L.
Identifiers: ClinVar variation 196106 (VCV000196106.25), dbSNP rs146685404, ClinGen allele CA202134.